The following is an entry in ClinVar:

ClinVar aggregate classification (germline): Uncertain significance (1 of 4 stars; one submission).

Allele frequency attached by ClinVar (database versions not stated): ExAC 0.00002; gnomAD 0.00003; 1000 Genomes Project 0.00020; ESP Exome Variant Server 0.00008; 1000 Genomes Project 30x 0.00016.
gnomAD v4.1: 13 of 1,614,008 alleles (0.00081%); highest among the groups gnomAD compares: South Asian, 0.0033%; no homozygotes.

Submission:

Labcorp Genetics (formerly Invitae), Labcorp
Classification: Uncertain significance. Last evaluated: 2024-12-22. Review status: criteria provided, single submitter. Criteria: Invitae Variant Classification Sherloc (09022015). Collection method: clinical testing. Allele origin: germline.
Comment: This sequence change affects codon 937 of the CACNA1D mRNA. It is a 'silent' change, meaning that it does not change the encoded amino acid sequence of the CACNA1D protein. This variant also falls at the last nucleotide of exon 21, which is part of the consensus splice site for this exon. This variant is present in population databases (rs141718078, gnomAD 0.005%). This variant has not been reported in the literature in individuals affected with CACNA1D-related conditions. ClinVar contains an entry for this variant (Variation ID: 1898580). Variants that disrupt the consensus splice site are a relatively common cause of aberrant splicing (PMID: 17576681, 9536098). Algorithms developed to predict the effect of sequence changes on RNA splicing suggest that this variant is not likely to affect RNA splicing. In summary, the available evidence is currently insufficient to determine the role of this variant in disease. Therefore, it has been classified as a Variant of Uncertain Significance.

Literature cited by the submitters: PubMed 17576681; PubMed 9536098.

NM_001128840.3(CACNA1D):c.2751G>A (p.Thr917=)

Gene: CACNA1D (calcium voltage-gated channel subunit alpha1 D; plus strand). Cytogenetic location: 3p21.1.
Variant type: single nucleotide variant.
Coding change: c.2751G>A on transcript NM_001128840.3 (MANE Select); coding-DNA position 2751, G replaced by A.
Protein change: p.Thr917=; no amino-acid change (threonine 917 retained).
Molecular consequence: synonymous variant.
Genome position (GRCh38, 1-based): chr3:53,735,503, G>A. VCF-style: chr3-53735503-G-A. GRCh37 (hg19) VCF-style: chr3-53769530-G-A.
Other names: c.2811G>A, p.Thr937= (NM_000720.4); c.2751G>A, p.Thr917= (NM_001128839.3).
Identifiers: ClinVar variation 1898580 (VCV001898580.5), dbSNP rs141718078, ClinGen allele CA2454333.